The following is an entry in ClinVar:

ClinVar aggregate classification (germline): Pathogenic (1 of 4 stars; one submission).

Submission:

Labcorp Genetics (formerly Invitae), Labcorp
Classification: Pathogenic. Last evaluated: 2023-05-29. Review status: criteria provided, single submitter. Criteria: Invitae Variant Classification Sherloc (09022015). Collection method: clinical testing. Allele origin: germline.
Comment: This variant is not present in population databases (gnomAD no frequency). For these reasons, this variant has been classified as Pathogenic. This variant has not been reported in the literature in individuals affected with HPS4-related conditions. This sequence change creates a premature translational stop signal (p.Asp396Valfs*39) in the HPS4 gene. It is expected to result in an absent or disrupted protein product. Loss-of-function variants in HPS4 are known to be pathogenic (PMID: 12664304).

Literature cited by the submitters: PubMed 12664304.

NM_022081.6(HPS4):c.1187del (p.Asp396fs)

Gene: HPS4 (HPS4 biogenesis of lysosomal organelles complex 3 subunit 2; minus strand). Cytogenetic location: 22q12.1.
Variant type: Deletion.
Coding change: c.1187del on transcript NM_022081.6 (MANE Select); coding-DNA position 1187, one base deleted (A; older notation c.1187delA).
Protein change: p.Asp396fs; shifts the reading frame from aspartic acid 396.
Molecular consequence: frameshift variant. On other transcripts: non-coding transcript variant (8).
Genome position (GRCh38, 1-based): chr22:26,464,443, T deleted on the plus strand (A on the coding strand, the reverse complement: HPS4 is on the minus strand). VCF-style (leftmost placement, unchanged base first): chr22-26464442-AT-A. GRCh37 (hg19) VCF-style: chr22-26860408-AT-A.
Other names: c.1187del, p.Asp396fs (NM_001349896.1, NM_001349898.2, NM_001349899.2 and 5 more transcripts); c.1241del, p.Asp414fs (NM_001349900.2, NM_001349901.1); c.1172del, p.Asp391fs (NM_152841.2); short protein forms D414fs, D396fs, D391fs.
Identifiers: ClinVar variation 2746365 (VCV002746365.3), dbSNP rs2518211627, ClinGen allele CA2697552593.